The following is an entry in ClinVar:

NM_000553.6(WRN):c.1432-2A>T

Gene: WRN (WRN RecQ like helicase; plus strand). Cytogenetic location: 8p12.
Variant type: single nucleotide variant.
Coding change: c.1432-2A>T on transcript NM_000553.6 (MANE Select); the canonical splice acceptor site of the intron before coding-DNA position 1432, A replaced by T.
Molecular consequence: splice acceptor variant.
Genome position (GRCh38, 1-based): chr8:31,087,774, A>T. VCF-style: chr8-31087774-A-T. GRCh37 (hg19) VCF-style: chr8-30945290-A-T.
Identifiers: ClinVar variation 952009 (VCV000952009.8), dbSNP rs1389423879, ClinGen allele CA370924169.

ClinVar aggregate classification (germline): Likely pathogenic. Review status: criteria provided, multiple submitters, no conflicts (2 of 4 stars). 2 submissions from 2 submitters: Likely pathogenic (2). Last evaluated 2023-10-02.

Conditions:
Werner syndrome (WRN). Identifiers: Orphanet 902, MedGen C0043119, MONDO:0010196, OMIM 277700.

Submissions (2):

Baylor Genetics
Classification: Likely pathogenic for Werner syndrome. Last evaluated: 2023-10-02. Review status: criteria provided, single submitter. Criteria: ACMG Guidelines, 2015. Collection method: clinical testing. Allele origin: unknown.

Labcorp Genetics (formerly Invitae), Labcorp
Classification: Likely pathogenic for Werner syndrome. Last evaluated: 2022-08-23. Review status: criteria provided, single submitter. Criteria: Invitae Variant Classification Sherloc (09022015). Collection method: clinical testing. Allele origin: germline.
Comment: In summary, the currently available evidence indicates that the variant is pathogenic, but additional data are needed to prove that conclusively. Therefore, this variant has been classified as Likely Pathogenic. Algorithms developed to predict the effect of sequence changes on RNA splicing suggest that this variant may disrupt the consensus splice site. ClinVar contains an entry for this variant (Variation ID: 952009). This variant has not been reported in the literature in individuals affected with WRN-related conditions. This variant is not present in population databases (gnomAD no frequency). This sequence change affects an acceptor splice site in intron 11 of the WRN gene. It is expected to disrupt RNA splicing. Variants that disrupt the donor or acceptor splice site typically lead to a loss of protein function (PMID: 16199547), and loss-of-function variants in WRN are known to be pathogenic (PMID: 16673358).

Literature cited by the submitters: PubMed 16199547 (cited by Labcorp Genetics (formerly Invitae), Labcorp); PubMed 16673358 (cited by Labcorp Genetics (formerly Invitae), Labcorp).